The following is an entry in ClinVar:

NM_000260.4(MYO7A):c.2430C>G (p.Tyr810Ter)

Gene: MYO7A (myosin VIIA; plus strand). Cytogenetic location: 11q13.5.
Variant type: single nucleotide variant.
Coding change: c.2430C>G on transcript NM_000260.4 (MANE Select); coding-DNA position 2430, C replaced by G.
Protein change: p.Tyr810Ter; replaces tyrosine 810 with a stop codon.
Molecular consequence: nonsense.
Genome position (GRCh38, 1-based): chr11:77,179,797, C>G. VCF-style: chr11-77179797-C-G. GRCh37 (hg19) VCF-style: chr11-76890843-C-G.
Other names: c.2430C>G, p.Tyr810Ter (NM_001127180.2); c.2397C>G, p.Tyr799Ter (NM_001369365.1); short protein forms Y810*, Y799*.
Identifiers: ClinVar variation 4730901 (VCV004730901.1).

ClinVar aggregate classification (germline): Pathogenic (1 of 4 stars; one submission).

Submission:

Labcorp Genetics (formerly Invitae), Labcorp
Classification: Pathogenic. Last evaluated: 2025-11-18. Review status: criteria provided, single submitter. Criteria: Invitae Variant Classification Sherloc (09022015). Collection method: clinical testing. Allele origin: germline.
Comment: This sequence change creates a premature translational stop signal (p.Tyr810*) in the MYO7A gene. It is expected to result in an absent or disrupted protein product. Loss-of-function variants in MYO7A are known to be pathogenic (PMID: 8900236, 25404053). This variant is not present in population databases (gnomAD no frequency). This variant has not been reported in the literature in individuals affected with MYO7A-related conditions. For these reasons, this variant has been classified as Pathogenic.

Literature cited by the submitters: PubMed 8900236; PubMed 25404053.